The following is an entry in ClinVar:

NM_001197104.2(KMT2A):c.7844T>A (p.Phe2615Tyr)

Gene: KMT2A (lysine methyltransferase 2A; plus strand). Cytogenetic location: 11q23.3.
Variant type: single nucleotide variant.
Coding change: c.7844T>A on transcript NM_001197104.2 (MANE Select); coding-DNA position 7844, T replaced by A.
Protein change: p.Phe2615Tyr; replaces phenylalanine 2615 with tyrosine.
Molecular consequence: missense variant.
Genome position (GRCh38, 1-based): chr11:118,503,736, T>A. VCF-style: chr11-118503736-T-A. GRCh37 (hg19) VCF-style: chr11-118374451-T-A.
Other names: c.7835T>A, p.Phe2612Tyr (NM_005933.4); short protein forms F2612Y, F2615Y.
Identifiers: ClinVar variation 1520300 (VCV001520300.8), dbSNP rs1950538743, ClinGen allele CA382807461.

ClinVar aggregate classification (germline): Uncertain significance (1 of 4 stars; one submission).

Allele frequency attached by ClinVar (database versions not stated): gnomAD exomes below 0.00001.
gnomAD v4.1: 5 of 1,614,220 alleles (0.00031%); highest among the groups gnomAD compares: Non-Finnish European, 0.00042%; no homozygotes.

Submission:

Labcorp Genetics (formerly Invitae), Labcorp
Classification: Uncertain significance. Last evaluated: 2025-05-18. Review status: criteria provided, single submitter. Criteria: Invitae Variant Classification Sherloc (09022015). Collection method: clinical testing. Allele origin: germline.
Comment: This sequence change replaces phenylalanine, which is neutral and non-polar, with tyrosine, which is neutral and polar, at codon 2615 of the KMT2A protein (p.Phe2615Tyr). This variant is not present in population databases (gnomAD no frequency). This variant has not been reported in the literature in individuals affected with KMT2A-related conditions. ClinVar contains an entry for this variant (Variation ID: 1520300). Invitae Evidence Modeling of protein sequence and biophysical properties (such as structural, functional, and spatial information, amino acid conservation, physicochemical variation, residue mobility, and thermodynamic stability) indicates that this missense variant is not expected to disrupt KMT2A protein function with a negative predictive value of 95%. In summary, the available evidence is currently insufficient to determine the role of this variant in disease. Therefore, it has been classified as a Variant of Uncertain Significance.